The following is an entry in ClinVar:

ClinVar aggregate classification (germline): Uncertain significance (1 of 4 stars; one submission).

Submission:

Labcorp Genetics (formerly Invitae), Labcorp
Classification: Uncertain significance. Last evaluated: 2022-11-01. Review status: criteria provided, single submitter. Criteria: Invitae Variant Classification Sherloc (09022015). Collection method: clinical testing. Allele origin: germline.
Comment: In summary, the available evidence is currently insufficient to determine the role of this variant in disease. Therefore, it has been classified as a Variant of Uncertain Significance. Algorithms developed to predict the effect of missense changes on protein structure and function are either unavailable or do not agree on the potential impact of this missense change (SIFT: "Deleterious"; PolyPhen-2: "Benign"; Align-GVGD: "Class C0"). ClinVar contains an entry for this variant (Variation ID: 1462720). This variant has not been reported in the literature in individuals affected with CLCN4-related conditions. This variant is not present in population databases (gnomAD no frequency). This sequence change replaces proline, which is neutral and non-polar, with alanine, which is neutral and non-polar, at codon 22 of the CLCN4 protein (p.Pro22Ala).

NM_001830.4(CLCN4):c.64C>G (p.Pro22Ala)

Gene: CLCN4 (chloride voltage-gated channel 4; plus strand). Cytogenetic location: Xp22.2.
Variant type: single nucleotide variant.
Coding change: c.64C>G on transcript NM_001830.4 (MANE Select); coding-DNA position 64, C replaced by G.
Protein change: p.Pro22Ala; replaces proline 22 with alanine.
Molecular consequence: missense variant. On other transcripts: intron variant (1).
Genome position (GRCh38, 1-based): chrX:10,185,096, C>G. VCF-style: chrX-10185096-C-G. GRCh37 (hg19) VCF-style: chrX-10153136-C-G.
Other names: c.-38-9815C>G (NM_001256944.2); short protein forms P22A.
Identifiers: ClinVar variation 1462720 (VCV001462720.8), dbSNP rs2147167400, ClinGen allele CA412031752.